The following continues an entry in ClinVar:

NM_025099.6(CTC1):c.724_727del (p.Lys242fs)

Gene: CTC1. ClinVar aggregate classification (germline): Pathogenic. Pathogenic (15).

Submissions 13 to 17 of 17:

Ambry Genetics
Classification: Pathogenic for Inborn genetic diseases. Last evaluated: 2021-04-20. Review status: criteria provided, single submitter. Criteria: Ambry Variant Classification Scheme 2023. Collection method: clinical testing. Allele origin: germline.
Comment: The c.724_727delAAAG alteration, located in exon 5 (coding exon 5) of the CTC1 gene, consists of a deletion of 4 nucleotides from position 724 to 727, causing a translational frameshift with a predicted alternate stop codon after amino acids. This alteration is expected to result in loss of function by premature protein truncation or nonsense-mediated mRNA decay. This mutation has been reported in several individuals with a variety of phenotypes including Coats plus, dyskeratosis congenita, and cerebroretinal microangiopathy with calcifications and cysts in conjunction with a second CTC1 variant (Keller, 2012; Polvi, 2012; Anderson, 2012; Walne, 2013; Shen, 2019). Based on the available evidence, this alteration is classified as pathogenic.

Genetic Services Laboratory, University of Chicago
Classification: Pathogenic. Last evaluated: 2020-01-13. Review status: criteria provided, single submitter. Criteria: ACMG Guidelines, 2015. Collection method: clinical testing. Allele origin: germline. Affected: yes.
Comment: DNA sequence analysis of the CTC1 gene demonstrated a four base pair deletion in exon 5, c.724_727del. This pathogenic sequence change results in an amino acid frameshift and creates a premature stop codon 40 amino acids downstream of the mutation, p.Lys242Leufs*41. This pathogenic sequence change is predicted to result in an abnormal transcript, which may be degraded, or may lead to the production of a truncated CTC1 protein with potentially abnormal function. This pathogenic sequence change has previously been described in the compound heterozygous state with a second pathogenic sequence change in four different families with CTC1-related Coats plus syndrome (PMID: 22267198).

Illumina Laboratory Services, Illumina
Classification: Pathogenic for Cerebroretinal microangiopathy with calcifications and cysts 1. Last evaluated: 2018-10-19. Review status: criteria provided, single submitter. Criteria: ICSL Variant Classification Criteria 09 May 2019. Collection method: clinical testing. Allele origin: germline.
Comment: The CTC1 c.724_727delAAAG (p.Lys242LeufsTer41) variant has been reported in four studies and is found in a total of eight probands in a compound heterozygous state, including two probands with dyskeratosis congenita, five probands with Coats plus syndrome, and one proband with cerebroretinal microangiopathy with calcifications and cysts (Anderson et al. 2012; Keller et al. 2012; Polvi et al. 2012; Walne et al. 2013). Expression of the p.Lys242LeufsTer41 variant protein in mouse embryonic fibroblasts with the wild type copy of CTC1 knocked out, demonstrated increased telomere dysfunction and the formation of fused chromosomes (Gu et al. 2013). Control data are unavailable for this variant, which is reported at a frequency of 0.000523 in the Latino population of the Genome Aggregation Database. Based on the available evidence and the potential impact of frameshift variants, the p.Lys242LeufsTer41 variant is classified as pathogenic for CTC1-related disorders. This variant was observed by ICSL as part of a predisposition screen in an ostensibly healthy population.

PreventionGenetics, part of Exact Sciences
Classification: Pathogenic for CTC1-related condition. Last evaluated: 2024-07-23. Review status: no assertion criteria provided. Collection method: clinical testing. Allele origin: germline. Not counted in ClinVar's aggregate classification.
Comment: The CTC1 c.724_727delAAAG variant is predicted to result in a frameshift and premature protein termination (p.Lys242Leufs*41). This variant has been reported to be causative for autosomal recessive cerebroretinal microangiopathy with calcifications and cysts, which is also known as Coats plus (Polvi et al. 2012. PubMed ID: 22387016; Anderson et al. 2012. PubMed ID: 22267198). This variant is reported in 0.054% of alleles in individuals of Latino descent in gnomAD. Frameshift variants in CTC1 are expected to be pathogenic. This variant is interpreted as pathogenic.

OMIM
Classification: Pathogenic for CEREBRORETINAL MICROANGIOPATHY WITH CALCIFICATIONS AND CYSTS 1. Last evaluated: 2012-08-01. Review status: no assertion criteria provided. Collection method: literature only. Allele origin: germline. Not counted in ClinVar's aggregate classification.

Literature cited by the submitters: PubMed 22267198 (cited by 7 submitters); PubMed 22387016 (cited by 4 submitters); PubMed 22532422 (cited by 5 submitters); PubMed 22899577 (cited by 4 submitters); PubMed 23869908 (cited by Mayo Clinic Laboratories, Mayo Clinic and Illumina Laboratory Services, Illumina); PubMed 30891747 (cited by Mayo Clinic Laboratories, Mayo Clinic and Ambry Genetics); PubMed 34706368 (cited by Mayo Clinic Laboratories, Mayo Clinic); PubMed 18076099 (cited by OMIM).